The following is an entry in ClinVar:

ClinVar aggregate classification (germline): Uncertain significance. Review status: criteria provided, multiple submitters, no conflicts (2 of 4 stars). 2 submissions from 2 submitters: Uncertain significance (2). Last evaluated 2025-10-29.

Conditions:
Autosomal dominant polycystic kidney disease. Identifiers: Orphanet 730, MedGen C0085413, MONDO:0004691.
Polycystic kidney disease 2 (PKD2). Also called: POLYCYSTIC KIDNEY DISEASE, ADULT, TYPE II; Polycystic Kidney Disease 2, Autosomal Dominant; POLYCYSTIC KIDNEY DISEASE 2 WITH OR WITHOUT POLYCYSTIC LIVER DISEASE. Identifiers: MedGen C2751306, MONDO:0013131, OMIM 613095.

gnomAD v4.1: 9 of 1,614,080 alleles (0.00056%); highest among the groups gnomAD compares: Non-Finnish European, 0.00076%; no homozygotes.

Submissions (2):

Labcorp Genetics (formerly Invitae), Labcorp
Classification: Uncertain significance for Autosomal dominant polycystic kidney disease. Last evaluated: 2025-10-29. Review status: criteria provided, single submitter. Criteria: Invitae Variant Classification Sherloc (09022015). Collection method: clinical testing. Allele origin: germline.
Comment: This sequence change replaces threonine, which is neutral and polar, with isoleucine, which is neutral and non-polar, at codon 283 of the PKD2 protein (p.Thr283Ile). This variant is not present in population databases (gnomAD no frequency). This variant has not been reported in the literature in individuals affected with PKD2-related conditions. ClinVar contains an entry for this variant (Variation ID: 3591362). Invitae Evidence Modeling of protein sequence and biophysical properties (such as structural, functional, and spatial information, amino acid conservation, physicochemical variation, residue mobility, and thermodynamic stability) indicates that this missense variant is not expected to disrupt PKD2 protein function with a negative predictive value of 80%. In summary, the available evidence is currently insufficient to determine the role of this variant in disease. Therefore, it has been classified as a Variant of Uncertain Significance.

Fulgent Genetics
Classification: Uncertain significance for Polycystic kidney disease 2. Last evaluated: 2024-03-07. Review status: criteria provided, single submitter. Criteria: ACMG Guidelines, 2015. Collection method: clinical testing. Allele origin: germline.

NM_000297.4(PKD2):c.848C>T (p.Thr283Ile)

Gene: PKD2 (polycystin 2, transient receptor potential cation channel; plus strand). Cytogenetic location: 4q22.1.
Variant type: single nucleotide variant.
Coding change: c.848C>T on transcript NM_000297.4 (MANE Select); coding-DNA position 848, C replaced by T.
Protein change: p.Thr283Ile; replaces threonine 283 with isoleucine.
Molecular consequence: missense variant. On other transcripts: non-coding transcript variant (1).
Genome position (GRCh38, 1-based): chr4:88,038,255, C>T. VCF-style: chr4-88038255-C-T. GRCh37 (hg19) VCF-style: chr4-88959407-C-T.
Other names: short protein forms T283I.
Identifiers: ClinVar variation 3591362 (VCV003591362.2).